The following is an entry in ClinVar:

ClinVar aggregate classification (germline): Likely benign (0 of 4 stars; one submission).

Conditions:
PDZD2-related disorder. Also called: PDZD2-related condition.

Allele frequency attached by ClinVar (database versions not stated): ExAC 0.00061; gnomAD 0.00158; TOPMed 0.00198; ESP Exome Variant Server 0.00215; 1000 Genomes Project 0.00300; 1000 Genomes Project 30x 0.00312.
gnomAD v4.1: 502 of 1,614,184 alleles (0.031%); highest among the groups gnomAD compares: African/African-American, 0.59%; 2 homozygotes.

Submission:

PreventionGenetics, part of Exact Sciences
Classification: Likely benign for PDZD2-related condition. Last evaluated: 2019-08-08. Review status: no assertion criteria provided. Collection method: clinical testing. Allele origin: germline.
Comment: This variant is classified as likely benign based on ACMG/AMP sequence variant interpretation guidelines (Richards et al. 2015 PMID: 25741868, with internal and published modifications).

NM_178140.4(PDZD2):c.644G>A (p.Arg215Gln)

Gene: PDZD2 (PDZ domain containing 2; plus strand). Cytogenetic location: 5p13.3.
Variant type: single nucleotide variant.
Coding change: c.644G>A on transcript NM_178140.4 (MANE Select); coding-DNA position 644, G replaced by A.
Protein change: p.Arg215Gln; replaces arginine 215 with glutamine.
Molecular consequence: missense variant.
Genome position (GRCh38, 1-based): chr5:31,983,322, G>A. VCF-style: chr5-31983322-G-A. GRCh37 (hg19) VCF-style: chr5-31983428-G-A.
Other names: short protein forms R215Q.
Identifiers: ClinVar variation 3034906 (VCV003034906.2), dbSNP rs73751750, ClinGen allele CA3218642.
Genomic context (GRCh38, chr5:31,983,322, plus strand): 5'-CTGAACCAGGAGAAACACCTACCTTGGAGCTGGGTGACCGAACTGCGAAAAAGGGGAAAC[G>A]AACCAGAAAGTTTGGGGTCATCTCCAGGCCTCCTGCCAACAAGGCCCCTGAAGAATCCAA-3'
Protein context (NP_835260.2, residues 205-225): LGDRTAKKGK[Arg215Gln]TRKFGVISRP